The following is an entry in ClinVar:

NM_003482.4(KMT2D):c.15858G>T (p.Glu5286Asp)

Gene: KMT2D (lysine methyltransferase 2D; minus strand). Cytogenetic location: 12q13.12.
Variant type: single nucleotide variant.
Coding change: c.15858G>T on transcript NM_003482.4 (MANE Select); coding-DNA position 15858, G replaced by T.
Protein change: p.Glu5286Asp; replaces glutamic acid 5286 with aspartic acid.
Molecular consequence: missense variant.
Genome position (GRCh38, 1-based): chr12:49,024,873, C>A on the plus strand (G>T on the coding strand, the complement: KMT2D is on the minus strand). VCF-style: chr12-49024873-C-A. GRCh37 (hg19) VCF-style: chr12-49418656-C-A.
Other names: short protein forms E5286D.
Identifiers: ClinVar variation 1929432 (VCV001929432.5), dbSNP rs770257093, ClinGen allele CA384683005.

ClinVar aggregate classification (germline): Uncertain significance (1 of 4 stars; one submission).

Conditions:
Kabuki syndrome. Also called: NIIKAWA-KUROKI SYNDROME; Kabuki make-up syndrome. Identifiers: Orphanet 2322, MedGen C0796004, MONDO:0016512.

gnomAD v4.1: 2 of 1,610,028 alleles (0.00012%); highest among the groups gnomAD compares: Non-Finnish European, 0.00017%; no homozygotes.

Submission:

Labcorp Genetics (formerly Invitae), Labcorp
Classification: Uncertain significance for Kabuki syndrome. Last evaluated: 2022-05-25. Review status: criteria provided, single submitter. Criteria: Invitae Variant Classification Sherloc (09022015). Collection method: clinical testing. Allele origin: germline.
Comment: In summary, the available evidence is currently insufficient to determine the role of this variant in disease. Therefore, it has been classified as a Variant of Uncertain Significance. Advanced modeling of protein sequence and biophysical properties (such as structural, functional, and spatial information, amino acid conservation, physicochemical variation, residue mobility, and thermodynamic stability) performed at Invitae indicates that this missense variant is not expected to disrupt KMT2D protein function. This missense change has been observed in individual(s) with KBG syndrome (PMID: 32124548). This variant is not present in population databases (gnomAD no frequency). This sequence change replaces glutamic acid, which is acidic and polar, with aspartic acid, which is acidic and polar, at codon 5286 of the KMT2D protein (p.Glu5286Asp).

Literature cited by the submitters: PubMed 32124548.